The following is an entry in ClinVar:

NM_000138.5(FBN1):c.645A>C (p.Arg215=)

Gene: FBN1 (fibrillin 1; minus strand). Cytogenetic location: 15q21.1.
Variant type: single nucleotide variant.
Coding change: c.645A>C on transcript NM_000138.5 (MANE Select); coding-DNA position 645, A replaced by C.
Protein change: p.Arg215=; no amino-acid change (arginine 215 retained).
Molecular consequence: synonymous variant.
Genome position (GRCh38, 1-based): chr15:48,537,702, T>G on the plus strand (A>C on the coding strand, the complement: FBN1 is on the minus strand). VCF-style: chr15-48537702-T-G. GRCh37 (hg19) VCF-style: chr15-48829899-T-G.
Identifiers: ClinVar variation 919432 (VCV000919432.16), dbSNP rs200062771, ClinGen allele CA056822.

ClinVar aggregate classification (germline): Benign/Likely benign. Review status: criteria provided, multiple submitters, no conflicts (2 of 4 stars). 6 submissions from 6 submitters: Benign (3); Likely benign (3). Last evaluated 2025-10-09.

Conditions:
Familial thoracic aortic aneurysm and aortic dissection (TAAD). Also called: Thoracic aortic aneurysms and dissections. Identifiers: Orphanet 91387, MedGen C4707243, MONDO:0019625.
Marfan syndrome (MFS). Also called: Marfan syndrome, classic; Marfan syndrome type 1; Marfan's syndrome; FBN1-Related Marfan Syndrome; MARFAN SYNDROME, TYPE I. Identifiers: Orphanet 284963, Orphanet 558, MedGen C0024796, MONDO:0007947, OMIM 154700.
Connective tissue disorder. Also called: Connective tissue disease. Identifiers: MedGen C0009782, MONDO:0003900.

Allele frequency attached by ClinVar (database versions not stated): 1000 Genomes Project 0.00020; TOPMed 0.00002; ESP Exome Variant Server 0.00008; 1000 Genomes Project 30x 0.00016; gnomAD exomes 0.00019 and 0.00052; ExAC 0.00035; gnomAD 0.00042 and 0.00043.
gnomAD v4.1: 328 of 1,614,226 alleles (0.02%); highest among the groups gnomAD compares: Non-Finnish European, 0.00085%; no homozygotes.

Submissions (6):

Labcorp Genetics (formerly Invitae), Labcorp
Classification: Benign for Marfan syndrome; Familial thoracic aortic aneurysm and aortic dissection. Last evaluated: 2025-10-09. Review status: criteria provided, single submitter. Criteria: Invitae Variant Classification Sherloc (09022015). Collection method: clinical testing. Allele origin: germline.

Ambry Genetics
Classification: Likely benign for Familial thoracic aortic aneurysm and aortic dissection. Last evaluated: 2025-07-13. Review status: criteria provided, single submitter. Criteria: Ambry Variant Classification Scheme 2023. Collection method: clinical testing. Allele origin: germline.

Blueprint Genetics
Classification: Likely benign. Last evaluated: 2024-10-04. Review status: criteria provided, single submitter. Criteria: ACMG Guidelines, 2015. Collection method: clinical testing. Allele origin: germline.

All of Us Research Program, National Institutes of Health
Classification: Benign for Marfan syndrome. Last evaluated: 2023-11-30. Review status: criteria provided, single submitter. Criteria: ACMG Guidelines, 2015. Collection method: clinical testing. Allele origin: germline. Inheritance: Autosomal dominant inheritance. Observed: 8 variant alleles, 8 heterozygotes.
Comment: This study involves interpretation of variants in research participants for the purpose of population health screening. Participant phenotype was not available at the time of variant classification. Additional details can be found in publication PMID: 35346344, PMCID: PMC8962531

Genome Diagnostics Laboratory, The Hospital for Sick Children
Classification: Likely benign for Connective tissue disorder. Last evaluated: 2019-07-01. Review status: criteria provided, single submitter. Criteria: ACMG Guidelines, 2015. Collection method: clinical testing. Allele origin: germline.

Color Diagnostics, LLC DBA Color Health
Classification: Benign for Familial thoracic aortic aneurysm and aortic dissection. Last evaluated: 2019-05-13. Review status: criteria provided, single submitter. Criteria: ACMG Guidelines, 2015. Collection method: clinical testing. Allele origin: germline.